The following is an entry in ClinVar:

NM_139285.4(GAS2L2):c.48G>A (p.Pro16=)

Gene: GAS2L2 (growth arrest specific 2 like 2; minus strand). Cytogenetic location: 17q12.
Variant type: single nucleotide variant.
Coding change: c.48G>A on transcript NM_139285.4 (MANE Select); coding-DNA position 48, G replaced by A.
Protein change: p.Pro16=; no amino-acid change (proline 16 retained).
Molecular consequence: synonymous variant.
Genome position (GRCh38, 1-based): chr17:35,752,803, C>T on the plus strand (G>A on the coding strand, the complement: GAS2L2 is on the minus strand). VCF-style: chr17-35752803-C-T. GRCh37 (hg19) VCF-style: chr17-34079822-C-T.
Identifiers: ClinVar variation 3051859 (VCV003051859.8), dbSNP rs147495893, ClinGen allele CA8506520.

ClinVar aggregate classification (germline): Likely benign. Review status: criteria provided, multiple submitters, no conflicts (2 of 4 stars). 4 submissions from 4 submitters: Likely benign (3). 1 of the submissions does not count toward it. Last evaluated 2026-01-01.

Conditions:
GAS2L2-related disorder. Also called: GAS2L2-related condition.

Allele frequency attached by ClinVar (database versions not stated): 1000 Genomes Project 30x 0.00047; 1000 Genomes Project 0.00060; TOPMed 0.00065; ExAC 0.00072; gnomAD 0.00076; ESP Exome Variant Server 0.00085; gnomAD exomes 0.00097.
gnomAD v4.1: 1,514 of 1,612,762 alleles (0.094%); highest among the groups gnomAD compares: South Asian, 0.18%; no homozygotes.

Submissions (4):

CeGaT Center for Human Genetics Tuebingen
Classification: Likely benign. Last evaluated: 2026-01-01. Review status: criteria provided, single submitter. Criteria: CeGaT Center For Human Genetics Tuebingen Variant Classification Criteria Version 2. Collection method: clinical testing. Allele origin: germline. Affected: yes. Observed: 1 variant allele.
Comment: GAS2L2: BP4, BP7

Laboratory of Genetics, Children's Clinical University Hospital Latvia
Classification: Likely benign. Last evaluated: 2025-02-16. Review status: criteria provided, single submitter. Criteria: ACMG Guidelines, 2015. Collection method: clinical testing. Allele origin: germline. Affected: yes.

Blueprint Genetics
Classification: Likely benign. Last evaluated: 2024-09-18. Review status: criteria provided, single submitter. Criteria: ACMG Guidelines, 2015. Collection method: clinical testing. Allele origin: germline.

PreventionGenetics, part of Exact Sciences
Classification: Likely benign for GAS2L2-related condition. Last evaluated: 2023-03-07. Review status: no assertion criteria provided. Collection method: clinical testing. Allele origin: germline. Not counted in ClinVar's aggregate classification.
Comment: This variant is classified as likely benign based on ACMG/AMP sequence variant interpretation guidelines (Richards et al. 2015 PMID: 25741868, with internal and published modifications).